The following is an entry in ClinVar:

NM_001270974.2(HYDIN):c.8674_8675delinsG (p.Gln2892fs)

Gene: HYDIN (HYDIN axonemal central pair apparatus protein; minus strand). Cytogenetic location: 16q22.2.
Variant type: Indel.
Coding change: c.8674_8675delinsG on transcript NM_001270974.2 (MANE Select); coding-DNA positions 8674 to 8675, CA replaced by G.
Protein change: p.Gln2892fs; shifts the reading frame from glutamine 2892.
Molecular consequence: frameshift variant.
Genome position (GRCh38, 1-based): chr16:70,903,906-70,903,907, TG replaced by C on the plus strand (CA replaced by G on the coding strand, the reverse complement: HYDIN is on the minus strand). VCF-style: chr16-70903906-TG-C. GRCh37 (hg19) VCF-style: chr16-70937809-TG-C.
Other names: short protein forms Q2892fs.
Identifiers: ClinVar variation 4056784 (VCV004056784.2).

ClinVar aggregate classification (germline): Pathogenic. Review status: criteria provided, multiple submitters, no conflicts (2 of 4 stars). 2 submissions from 2 submitters: Pathogenic (2). Last evaluated 2025-03-20.

Conditions:
HYDIN-related disorders.
Primary ciliary dyskinesia 5. Also called: CILIARY DYSKINESIA, PRIMARY, 5, WITHOUT SITUS INVERSUS. Identifiers: Orphanet 244, MedGen C1837615, MONDO:0012088, OMIM 608647.

Submissions (2):

Laboratorio de Genetica e Diagnostico Molecular, Hospital Israelita Albert Einstein
Classification: Pathogenic for Primary ciliary dyskinesia 5. Last evaluated: 2025-03-20. Review status: criteria provided, single submitter. Criteria: ACMG Guidelines, 2015. Collection method: clinical testing. Allele origin: germline. Affected: yes.
Comment: ACMG classification criteria: PVS1 very strong, PM2 supporting, PM3 strong

Blueprint Genetics
Classification: Pathogenic for HYDIN-related disorders. Last evaluated: 2022-12-07. Review status: criteria provided, single submitter. Criteria: ACMG Guidelines, 2015. Collection method: clinical testing. Allele origin: germline. Affected: yes. Observed: 1 variant allele.